The following is an entry in ClinVar:

ClinVar aggregate classification (germline): Uncertain significance (1 of 4 stars; one submission).

Conditions:
DICER1-related tumor predisposition. Also called: DICER1-related pleuropulmonary blastoma cancer predisposition syndrome; DICER1 syndrome. Identifiers: Orphanet 284343, MedGen C3839822, MONDO:0100216.

Submission:

Labcorp Genetics (formerly Invitae), Labcorp
Classification: Uncertain significance for DICER1-related tumor predisposition. Last evaluated: 2022-11-30. Review status: criteria provided, single submitter. Criteria: Invitae Variant Classification Sherloc (09022015). Collection method: clinical testing. Allele origin: germline.
Comment: This sequence change replaces alanine, which is neutral and non-polar, with threonine, which is neutral and polar, at codon 1022 of the DICER1 protein (p.Ala1022Thr). This variant is not present in population databases (gnomAD no frequency). In summary, the available evidence is currently insufficient to determine the role of this variant in disease. Therefore, it has been classified as a Variant of Uncertain Significance. Advanced modeling of protein sequence and biophysical properties (such as structural, functional, and spatial information, amino acid conservation, physicochemical variation, residue mobility, and thermodynamic stability) performed at Invitae indicates that this missense variant is not expected to disrupt DICER1 protein function. This variant has not been reported in the literature in individuals affected with DICER1-related conditions.

NM_177438.3(DICER1):c.3064G>A (p.Ala1022Thr)

Gene: DICER1 (dicer 1, ribonuclease III; minus strand). Cytogenetic location: 14q32.13.
Variant type: single nucleotide variant.
Coding change: c.3064G>A on transcript NM_177438.3 (MANE Select); coding-DNA position 3064, G replaced by A.
Protein change: p.Ala1022Thr; replaces alanine 1022 with threonine.
Molecular consequence: missense variant. On other transcripts: non-coding transcript variant (6).
Genome position (GRCh38, 1-based): chr14:95,105,707, C>T on the plus strand (G>A on the coding strand, the complement: DICER1 is on the minus strand). VCF-style: chr14-95105707-C-T. GRCh37 (hg19) VCF-style: chr14-95572044-C-T.
Other names: c.3064G>A, p.Ala1022Thr (NM_001195573.1, NM_001271282.3, NM_001291628.2 and 13 more transcripts); c.2782G>A, p.Ala928Thr (NM_001395686.1); c.2659G>A, p.Ala887Thr (NM_001395687.1, NM_001395688.1, NM_001395689.1 and 2 more transcripts); c.2497G>A, p.Ala833Thr (NM_001395691.1); c.1381G>A, p.Ala461Thr (NM_001395697.1); short protein forms A887T, A928T, A833T, A461T, A1022T.
Identifiers: ClinVar variation 2760059 (VCV002760059.3), dbSNP rs2542773351, ClinGen allele CA390878091.